The following is an entry in ClinVar:

NM_005228.5(EGFR):c.2019C>T (p.Ile673=)

Gene: EGFR (epidermal growth factor receptor; plus strand). Cytogenetic location: 7p11.2.
Variant type: single nucleotide variant.
Coding change: c.2019C>T on transcript NM_005228.5 (MANE Select); coding-DNA position 2019, C replaced by T.
Protein change: p.Ile673=; no amino-acid change (isoleucine 673 retained).
Molecular consequence: synonymous variant.
Genome position (GRCh38, 1-based): chr7:55,173,082, C>T. VCF-style: chr7-55173082-C-T. GRCh37 (hg19) VCF-style: chr7-55240775-C-T.
Other names: c.1884C>T, p.Ile628= (NM_001346897.2, NM_001346899.2); c.2019C>T, p.Ile673= (NM_001346898.2); c.1860C>T, p.Ile620= (NM_001346900.2); c.1218C>T, p.Ile406= (NM_001346941.2); c.2019C>T (NM_005228.3).
Identifiers: ClinVar variation 1116613 (VCV001116613.33), dbSNP rs763193362, ClinGen allele CA4265940.

ClinVar aggregate classification (germline): Likely benign. Review status: criteria provided, multiple submitters, no conflicts (2 of 4 stars). 3 submissions from 3 submitters: Likely benign (3). Last evaluated 2026-01-26.

Conditions:
Hereditary cancer-predisposing syndrome. Also called: Neoplastic Syndromes, Hereditary; Tumor predisposition; Hereditary neoplastic syndrome; Hereditary Cancer Syndrome. Identifiers: Orphanet 140162, MedGen C0027672, MeSH D009386, MONDO:0015356.
EGFR-related lung cancer (EGFR). Identifiers: MedGen CN130014.

Allele frequency attached by ClinVar (database versions not stated): ExAC 0.00003; gnomAD exomes 0.00005.
gnomAD v4.1: 24 of 1,612,950 alleles (0.0015%); highest among the groups gnomAD compares: East Asian, 0.016%; no homozygotes.

Submissions (3):

Labcorp Genetics (formerly Invitae), Labcorp
Classification: Likely benign for EGFR-related lung cancer. Last evaluated: 2026-01-26. Review status: criteria provided, single submitter. Criteria: Invitae Variant Classification Sherloc (09022015). Collection method: clinical testing. Allele origin: germline.

Ambry Genetics
Classification: Likely benign for Hereditary cancer-predisposing syndrome. Last evaluated: 2024-08-21. Review status: criteria provided, single submitter. Criteria: Ambry Variant Classification Scheme 2023. Collection method: clinical testing. Allele origin: germline.

CeGaT Center for Human Genetics Tuebingen
Classification: Likely benign. Last evaluated: 2023-09-01. Review status: criteria provided, single submitter. Criteria: CeGaT Center For Human Genetics Tuebingen Variant Classification Criteria Version 2. Collection method: clinical testing. Allele origin: germline. Affected: yes. Observed: 1 variant allele.
Comment: EGFR: BP4, BP7